The following is an entry in ClinVar:

ClinVar aggregate classification (germline): Conflicting classifications of pathogenicity. Review status: criteria provided, conflicting classifications (1 of 4 stars). 6 submissions from 6 submitters: Uncertain significance (5); Likely benign (1). Last evaluated 2025-08-28.

Conditions:
TTN-related disorder. Also called: TTN-related condition; TTN-related disease; TTN-related disorders.
Cardiovascular phenotype. Identifiers: MedGen CN230736.

Allele frequency attached by ClinVar (database versions not stated): TOPMed 0.00002; ExAC 0.00003; ESP Exome Variant Server 0.00008; gnomAD exomes below 0.00001 and 0.00002; gnomAD 0.00001.
gnomAD v4.1: 4 of 1,611,278 alleles (0.00025%); highest among the groups gnomAD compares: African/African-American, 0.0053%; no homozygotes.

Submissions (6):

Women's Health and Genetics/Laboratory Corporation of America, LabCorp
Classification: Uncertain significance. Last evaluated: 2025-08-28. Review status: criteria provided, single submitter. Criteria: LabCorp Variant Classification Summary - May 2015. Collection method: clinical testing. Allele origin: germline.
Comment: Variant summary: TTN c.81554T>A (p.Leu27185His) results in a non-conservative amino acid change located in the A-band of the encoded protein sequence. Algorithms developed to predict the effect of missense changes on protein structure and function all suggest that this variant is likely to be disruptive. The variant allele was found at a frequency of 1.6e-05 in 246432 control chromosomes (gnomAD). The available data on variant occurrences in the general population are insufficient to allow any conclusion about variant significance. To our knowledge, no occurrence of c.81554T>A in individuals affected with TTN-related conditions and no experimental evidence demonstrating its impact on protein function have been reported. ClinVar contains an entry for this variant (Variation ID: 178173). Based on the evidence outlined above, the variant was classified as uncertain significance.

PreventionGenetics, part of Exact Sciences
Classification: Uncertain significance for TTN-related condition. Last evaluated: 2025-04-10. Review status: criteria provided, single submitter. Criteria: ACMG Guidelines, 2015. Collection method: clinical testing. Allele origin: germline.
Comment: The TTN c.89258T>A variant is predicted to result in the amino acid substitution p.Leu29753His. To our knowledge, this variant has not been reported in the literature. This variant is reported in 0.026% of alleles in individuals of African descent in gnomAD. At this time, the clinical significance of this variant is uncertain due to the absence of conclusive functional and genetic evidence.

AiLife Diagnostics
Classification: Uncertain significance. Last evaluated: 2021-09-22. Review status: criteria provided, single submitter. Criteria: ACMG Guidelines, 2015. Collection method: clinical testing. Allele origin: germline. Affected: yes. Observed: 1 variant allele.

Revvity Omics, Revvity
Classification: Uncertain significance. Last evaluated: 2021-07-06. Review status: criteria provided, single submitter. Criteria: ACMG Guidelines, 2015. Collection method: clinical testing. Allele origin: germline.

Ambry Genetics
Classification: Likely benign for Cardiovascular phenotype. Last evaluated: 2020-05-18. Review status: criteria provided, single submitter. Criteria: Ambry Variant Classification Scheme 2023. Collection method: clinical testing. Allele origin: germline.

Laboratory for Molecular Medicine, Mass General Brigham Personalized Medicine
Classification: Uncertain significance. Last evaluated: 2013-11-14. Review status: criteria provided, single submitter. Criteria: LMM Criteria. Collection method: clinical testing. Allele origin: germline. Observed: 1 variant allele.
Comment: The Leu27185His variant in TTN has not been previously reported in individuals w ith cardiomyopathy, but has been identified in 1/4018 African American chromosom es by the NHLBI Exome Sequencing Project (dbS NP rs369279892). Computational analyses (biochemical amino acid properties, cons ervation, AlignGVGD, PolyPhen2, and SIFT) do not provide strong support for or a gainst an impact to the protein. Additional information is needed to fully asses s the clinical significance of the Leu27185His variant.

NM_001267550.2(TTN):c.89258T>A (p.Leu29753His)

Genes: TTN (titin; minus strand), TTN-AS1 (TTN antisense RNA 1; plus strand). Cytogenetic location: 2q31.2.
Variant type: single nucleotide variant.
Coding change: c.89258T>A on transcript NM_001267550.2 (MANE Select); coding-DNA position 89258, T replaced by A.
Protein change: p.Leu29753His; replaces leucine 29753 with histidine.
Molecular consequence: missense variant.
Genome position (GRCh38, 1-based): chr2:178,553,747, A>T on the plus strand (T>A on the coding strand, the complement: TTN is on the minus strand). VCF-style: chr2-178553747-A-T. GRCh37 (hg19) VCF-style: chr2-179418474-A-T.
Other names: c.84335T>A, p.Leu28112His (NM_001256850.1); c.62063T>A, p.Leu20688His (NM_003319.4); c.62438T>A, p.Leu20813His (NM_133432.3); c.62639T>A, p.Leu20880His (NM_133437.4); c.81554T>A, p.Leu27185His (NM_133378.4); short protein forms L27185H, L29753H, L20688H, L20813H, L20880H, L28112H.
Identifiers: ClinVar variation 178173 (VCV000178173.13), dbSNP rs369279892, ClinGen allele CA181646.